The following is an entry in ClinVar:

ClinVar aggregate classification (germline): Uncertain significance. Review status: criteria provided, multiple submitters, no conflicts (2 of 4 stars). 2 submissions from 2 submitters: Uncertain significance (2). Last evaluated 2023-08-17.

Conditions:
Developmental and epileptic encephalopathy, 23 (DEE23). Also called: Epileptic encephalopathy, early infantile, 23. Identifiers: Orphanet 411986, MedGen C4014492, MONDO:0014371, OMIM 615859.

gnomAD v4.1: 2 of 1,557,542 alleles (0.00013%); highest among the groups gnomAD compares: South Asian, 0.0025%; no homozygotes.

Submissions (2):

Labcorp Genetics (formerly Invitae), Labcorp
Classification: Uncertain significance for Developmental and epileptic encephalopathy, 23. Last evaluated: 2023-08-17. Review status: criteria provided, single submitter. Criteria: Invitae Variant Classification Sherloc (09022015). Collection method: clinical testing. Allele origin: germline.
Comment: This sequence change replaces threonine, which is neutral and polar, with arginine, which is basic and polar, at codon 732 of the DOCK7 protein (p.Thr732Arg). This variant is present in population databases (no rsID available, gnomAD 0.004%). This variant has not been reported in the literature in individuals affected with DOCK7-related conditions. ClinVar contains an entry for this variant (Variation ID: 1916429). Advanced modeling of protein sequence and biophysical properties (such as structural, functional, and spatial information, amino acid conservation, physicochemical variation, residue mobility, and thermodynamic stability) performed at Invitae indicates that this missense variant is expected to disrupt DOCK7 protein function. In summary, the available evidence is currently insufficient to determine the role of this variant in disease. Therefore, it has been classified as a Variant of Uncertain Significance.

Blueprint Genetics
Classification: Uncertain significance. Last evaluated: 2021-07-02. Review status: criteria provided, single submitter. Criteria: ACMG Guidelines, 2015. Collection method: clinical testing. Allele origin: germline.

NM_001367561.1(DOCK7):c.2195C>G (p.Thr732Arg)

Gene: DOCK7 (dedicator of cytokinesis 7; minus strand). Cytogenetic location: 1p31.3.
Variant type: single nucleotide variant.
Coding change: c.2195C>G on transcript NM_001367561.1 (MANE Select); coding-DNA position 2195, C replaced by G.
Protein change: p.Thr732Arg; replaces threonine 732 with arginine.
Molecular consequence: missense variant.
Genome position (GRCh38, 1-based): chr1:62,561,621, G>C on the plus strand (C>G on the coding strand, the complement: DOCK7 is on the minus strand). VCF-style: chr1-62561621-G-C. GRCh37 (hg19) VCF-style: chr1-63027292-G-C.
Other names: c.2195C>G, p.Thr732Arg (NM_001271999.2, NM_001272000.2, NM_001272001.2 and 2 more transcripts); short protein forms T732R.
Identifiers: ClinVar variation 1916429 (VCV001916429.4), dbSNP rs777904081, ClinGen allele CA340628176.